The following is an entry in ClinVar:

NM_001042424.3(NSD2):c.2423C>G (p.Ser808Cys)

Gene: NSD2 (nuclear receptor binding SET domain protein 2; plus strand). Cytogenetic location: 4p16.3.
Variant type: single nucleotide variant.
Coding change: c.2423C>G on transcript NM_001042424.3 (MANE Select); coding-DNA position 2423, C replaced by G.
Protein change: p.Ser808Cys; replaces serine 808 with cysteine.
Molecular consequence: missense variant.
Genome position (GRCh38, 1-based): chr4:1,955,245, C>G. VCF-style: chr4-1955245-C-G. GRCh37 (hg19) VCF-style: chr4-1956972-C-G.
Other names: c.2423C>G (NM_133330.2); c.2423C>G, p.Ser808Cys (NM_133330.3, NM_133331.3, NM_133335.4); short protein forms S808C.
Identifiers: ClinVar variation 1680197 (VCV001680197.8), dbSNP rs757383616, ClinGen allele CA2812468.

ClinVar aggregate classification (germline): Conflicting classifications of pathogenicity. Review status: criteria provided, conflicting classifications (1 of 4 stars). 3 submissions from 3 submitters: Uncertain significance (1); Likely benign (2). Last evaluated 2025-02-16.

Conditions:
Inborn genetic diseases. Identifiers: MedGen C0950123, MeSH D030342.

Allele frequency attached by ClinVar (database versions not stated): TOPMed 0.00007; gnomAD exomes 0.00009 and 0.00012; ExAC 0.00007; gnomAD 0.00011 and 0.00014.
gnomAD v4.1: 194 of 1,614,068 alleles (0.012%); highest among the groups gnomAD compares: Non-Finnish European, 0.014%; no homozygotes.

Submissions (3):

Laboratory of Genetics, Children's Clinical University Hospital Latvia
Classification: Likely benign. Last evaluated: 2025-02-16. Review status: criteria provided, single submitter. Criteria: ACMG Guidelines, 2015. Collection method: clinical testing. Allele origin: germline. Affected: yes.

Labcorp Genetics (formerly Invitae), Labcorp
Classification: Uncertain significance. Last evaluated: 2024-08-04. Review status: criteria provided, single submitter. Criteria: Invitae Variant Classification Sherloc (09022015). Collection method: clinical testing. Allele origin: germline.
Comment: This sequence change replaces serine, which is neutral and polar, with cysteine, which is neutral and slightly polar, at codon 808 of the WHSC1 protein (p.Ser808Cys). This variant is present in population databases (rs757383616, gnomAD 0.03%). This variant has not been reported in the literature in individuals affected with WHSC1-related conditions. ClinVar contains an entry for this variant (Variation ID: 1680197). Advanced modeling of protein sequence and biophysical properties (such as structural, functional, and spatial information, amino acid conservation, physicochemical variation, residue mobility, and thermodynamic stability) performed at Invitae indicates that this missense variant is not expected to disrupt WHSC1 protein function with a negative predictive value of 80%. In summary, the available evidence is currently insufficient to determine the role of this variant in disease. Therefore, it has been classified as a Variant of Uncertain Significance.

Ambry Genetics
Classification: Likely benign for Inborn genetic diseases. Last evaluated: 2023-12-16. Review status: criteria provided, single submitter. Criteria: Ambry Variant Classification Scheme 2023. Collection method: clinical testing. Allele origin: germline.